The following is an entry in ClinVar:

NM_024675.4(PALB2):c.3246dup (p.Glu1083Ter)

Gene: PALB2 (partner and localizer of BRCA2; minus strand). Cytogenetic location: 16p12.2.
Variant type: Duplication.
Coding change: c.3246dup on transcript NM_024675.4 (MANE Select); coding-DNA position 3246, one base duplicated (T; older notation c.3246dupT).
Protein change: p.Glu1083Ter; replaces glutamic acid 1083 with a stop codon.
Molecular consequence: nonsense.
Genome position (GRCh38, 1-based): chr16:23,607,968, A duplicated on the plus strand (T on the coding strand, the reverse complement: PALB2 is on the minus strand). VCF-style (leftmost placement, unchanged base first): chr16-23607967-C-CA. GRCh37 (hg19) VCF-style: chr16-23619288-C-CA.
Other names: c.3246dupT (NM_024675.3); short protein forms E1083*.
Identifiers: ClinVar variation 480277 (VCV000480277.5), dbSNP rs1555458211, ClinGen allele CA658658456.

ClinVar aggregate classification (germline): Pathogenic (1 of 4 stars; one submission).

Conditions:
Hereditary cancer-predisposing syndrome. Also called: Hereditary Cancer Syndrome; Neoplastic Syndromes, Hereditary; Tumor predisposition; Hereditary neoplastic syndrome. Identifiers: Orphanet 140162, MedGen C0027672, MeSH D009386, MONDO:0015356.

Submission:

Ambry Genetics
Classification: Pathogenic for Hereditary cancer-predisposing syndrome. Last evaluated: 2016-12-21. Review status: criteria provided, single submitter. Criteria: Ambry Variant Classification Scheme 2023. Collection method: clinical testing. Allele origin: germline.
Comment: The c.3246dupT pathogenic mutation, located in coding exon 12 of the PALB2 gene, results from a duplication of T at nucleotide position 3246, causing a translational frameshift with a predicted alternate stop codon (p.E1083*). This alteration is expected to result in loss of function by premature protein truncation or nonsense-mediated mRNA decay. As such, this alteration is interpreted as a disease-causing mutation.